The following is an entry in ClinVar:

ClinVar aggregate classification (germline): Uncertain significance (1 of 4 stars; one submission).

Allele frequency attached by ClinVar (database versions not stated): gnomAD 0.00001; gnomAD exomes 0.00002; TOPMed 0.00002; ExAC 0.00004.
gnomAD v4.1: 24 of 1,613,866 alleles (0.0015%); highest among the groups gnomAD compares: Non-Finnish European, 0.0018%; no homozygotes.

Submission:

Labcorp Genetics (formerly Invitae), Labcorp
Classification: Uncertain significance. Last evaluated: 2021-12-24. Review status: criteria provided, single submitter. Criteria: Invitae Variant Classification Sherloc (09022015). Collection method: clinical testing. Allele origin: germline.
Comment: This sequence change replaces proline, which is neutral and non-polar, with leucine, which is neutral and non-polar, at codon 67 of the STX3 protein (p.Pro67Leu). This variant is present in population databases (rs747952968, gnomAD 0.008%). This variant has not been reported in the literature in individuals affected with STX3-related conditions. Algorithms developed to predict the effect of missense changes on protein structure and function are either unavailable or do not agree on the potential impact of this missense change (SIFT: "Tolerated"; PolyPhen-2: "Probably Damaging"; Align-GVGD: "Class C0"). In summary, the available evidence is currently insufficient to determine the role of this variant in disease. Therefore, it has been classified as a Variant of Uncertain Significance.

NM_004177.5(STX3):c.200C>T (p.Pro67Leu)

Gene: STX3 (syntaxin 3; plus strand). Cytogenetic location: 11q12.1.
Variant type: single nucleotide variant.
Coding change: c.200C>T on transcript NM_004177.5 (MANE Select); coding-DNA position 200, C replaced by T.
Protein change: p.Pro67Leu; replaces proline 67 with leucine.
Molecular consequence: missense variant.
Genome position (GRCh38, 1-based): chr11:59,787,122, C>T. VCF-style: chr11-59787122-C-T. GRCh37 (hg19) VCF-style: chr11-59554595-C-T.
Other names: c.200C>T, p.Pro67Leu (NM_001178040.3); short protein forms P67L.
Identifiers: ClinVar variation 1957300 (VCV001957300.2), dbSNP rs747952968, ClinGen allele CA6020766.